The following is an entry in ClinVar:

ClinVar aggregate classification (germline): Conflicting classifications of pathogenicity. Review status: criteria provided, conflicting classifications (1 of 4 stars). 5 submissions from 5 submitters: Uncertain significance (1); Benign (1); Likely benign (3). Last evaluated 2026-01-27.

Conditions:
Inborn genetic diseases. Identifiers: MedGen C0950123, MeSH D030342.

Allele frequency attached by ClinVar (database versions not stated): 1000 Genomes Project 30x 0.00016; gnomAD exomes 0.00018; 1000 Genomes Project 0.00020; gnomAD 0.00021 and 0.00023; TOPMed 0.00021; ESP Exome Variant Server 0.00031.
gnomAD v4.1: 309 of 1,614,104 alleles (0.019%); highest among the groups gnomAD compares: Admixed American, 0.022%; no homozygotes.

Submissions (5):

Labcorp Genetics (formerly Invitae), Labcorp
Classification: Likely benign. Last evaluated: 2026-01-27. Review status: criteria provided, single submitter. Criteria: Invitae Variant Classification Sherloc (09022015). Collection method: clinical testing. Allele origin: germline.

Women's Health and Genetics/Laboratory Corporation of America, LabCorp
Classification: Likely benign. Last evaluated: 2025-11-19. Review status: criteria provided, single submitter. Criteria: LabCorp Variant Classification Summary - May 2015. Collection method: clinical testing. Allele origin: germline.
Comment: Variant summary: XPR1 c.2023G>A (p.Ala675Thr) results in a non-conservative amino acid change in the encoded protein sequence. Algorithms developed to predict the effect of missense changes on protein structure and function are either unavailable or do not agree on the potential impact of this missense change. The observed variant frequency within Ashkenazi Jewish control individuals in the gnomAD database exceeds the estimated maximal expected allele frequency for disease-causing variants in XPR1. To our knowledge, no occurrence of c.2023G>A in individuals affected with XPR1-related conditions and no experimental evidence demonstrating its impact on protein function have been reported. ClinVar contains an entry for this variant (Variation ID: 726176). Based on the evidence outlined above, the variant was classified as likely benign.

Blueprint Genetics
Classification: Likely benign. Last evaluated: 2024-10-03. Review status: criteria provided, single submitter. Criteria: ACMG Guidelines, 2015. Collection method: clinical testing. Allele origin: germline.

Ambry Genetics
Classification: Uncertain significance for Inborn genetic diseases. Last evaluated: 2022-06-29. Review status: criteria provided, single submitter. Criteria: Ambry Variant Classification Scheme 2023. Collection method: clinical testing. Allele origin: germline.

GeneDx
Classification: Benign. Last evaluated: 2019-05-07. Review status: criteria provided, single submitter. Criteria: GeneDx Variant Classification Process June 2021. Collection method: clinical testing. Allele origin: germline. Affected: yes.

NM_004736.4(XPR1):c.2023G>A (p.Ala675Thr)

Gene: XPR1 (xenotropic and polytropic retrovirus receptor 1; plus strand). Cytogenetic location: 1q25.3.
Variant type: single nucleotide variant.
Coding change: c.2023G>A on transcript NM_004736.4 (MANE Select); coding-DNA position 2023, G replaced by A.
Protein change: p.Ala675Thr; replaces alanine 675 with threonine.
Molecular consequence: missense variant. On other transcripts: non-coding transcript variant (1).
Genome position (GRCh38, 1-based): chr1:180,880,290, G>A. VCF-style: chr1-180880290-G-A. GRCh37 (hg19) VCF-style: chr1-180849426-G-A.
Other names: c.1828G>A, p.Ala610Thr (NM_001135669.2); short protein forms A610T, A675T.
Identifiers: ClinVar variation 726176 (VCV000726176.14), dbSNP rs139314192, ClinGen allele CA1272885.